The following is an entry in ClinVar:

ClinVar aggregate classification (germline): Uncertain significance (1 of 4 stars; one submission).

Allele frequency attached by ClinVar (database versions not stated): TOPMed below 0.00001.
gnomAD v4.1: 12 of 1,613,940 alleles (0.00074%); highest among the groups gnomAD compares: Non-Finnish European, 0.00093%; no homozygotes.

Submission:

Labcorp Genetics (formerly Invitae), Labcorp
Classification: Uncertain significance. Last evaluated: 2023-11-10. Review status: criteria provided, single submitter. Criteria: Invitae Variant Classification Sherloc (09022015). Collection method: clinical testing. Allele origin: germline.
Comment: This sequence change replaces isoleucine, which is neutral and non-polar, with methionine, which is neutral and non-polar, at codon 53 of the KANK2 protein (p.Ile53Met). This variant is not present in population databases (gnomAD no frequency). This variant has not been reported in the literature in individuals affected with KANK2-related conditions. ClinVar contains an entry for this variant (Variation ID: 1489746). An algorithm developed to predict the effect of missense changes on protein structure and function (PolyPhen-2) suggests that this variant is likely to be disruptive. In summary, the available evidence is currently insufficient to determine the role of this variant in disease. Therefore, it has been classified as a Variant of Uncertain Significance.

NM_001136191.3(KANK2):c.159C>G (p.Ile53Met)

Gene: KANK2 (KN motif and ankyrin repeat domains 2; minus strand). Cytogenetic location: 19p13.2.
Variant type: single nucleotide variant.
Coding change: c.159C>G on transcript NM_001136191.3 (MANE Select); coding-DNA position 159, C replaced by G.
Protein change: p.Ile53Met; replaces isoleucine 53 with methionine.
Molecular consequence: missense variant.
Genome position (GRCh38, 1-based): chr19:11,193,921, G>C on the plus strand (C>G on the coding strand, the complement: KANK2 is on the minus strand). VCF-style: chr19-11193921-G-C. GRCh37 (hg19) VCF-style: chr19-11304597-G-C.
Other names: c.159C>G, p.Ile53Met (NM_001329451.2, NM_001379548.1, NM_001379549.1 and 15 more transcripts); short protein forms I53M.
Identifiers: ClinVar variation 1489746 (VCV001489746.6), dbSNP rs776703187, ClinGen allele CA404091182.